The following is an entry in ClinVar:

ClinVar aggregate classification (germline): Uncertain significance (1 of 4 stars; one submission).

Conditions:
Perlman syndrome (PRLMNS). Identifiers: Orphanet 2849, MedGen C0796113, MONDO:0009965, OMIM 267000.

Allele frequency attached by ClinVar (database versions not stated): TOPMed below 0.00001.

Submission:

Labcorp Genetics (formerly Invitae), Labcorp
Classification: Uncertain significance for Perlman syndrome. Last evaluated: 2023-08-07. Review status: criteria provided, single submitter. Criteria: Invitae Variant Classification Sherloc (09022015). Collection method: clinical testing. Allele origin: germline.
Comment: Advanced modeling of protein sequence and biophysical properties (such as structural, functional, and spatial information, amino acid conservation, physicochemical variation, residue mobility, and thermodynamic stability) performed at Invitae indicates that this missense variant is not expected to disrupt DIS3L2 protein function. In summary, the available evidence is currently insufficient to determine the role of this variant in disease. Therefore, it has been classified as a Variant of Uncertain Significance. This variant has not been reported in the literature in individuals affected with DIS3L2-related conditions. This variant is present in population databases (no rsID available, gnomAD 0.003%). This sequence change replaces methionine, which is neutral and non-polar, with isoleucine, which is neutral and non-polar, at codon 617 of the DIS3L2 protein (p.Met617Ile).

NM_152383.5(DIS3L2):c.1851G>A (p.Met617Ile)

Gene: DIS3L2 (DIS3 like 3'-5' exoribonuclease 2; plus strand). Cytogenetic location: 2q37.1.
Variant type: single nucleotide variant.
Coding change: c.1851G>A on transcript NM_152383.5 (MANE Select); coding-DNA position 1851, G replaced by A.
Protein change: p.Met617Ile; replaces methionine 617 with isoleucine.
Molecular consequence: missense variant. On other transcripts: non-coding transcript variant (2), intron variant (1).
Genome position (GRCh38, 1-based): chr2:232,329,924, G>A. VCF-style: chr2-232329924-G-A. GRCh37 (hg19) VCF-style: chr2-233194634-G-A.
Other names: c.1582-13421G>A (NM_001257281.2); short protein forms M617I.
Identifiers: ClinVar variation 2750817 (VCV002750817.3), dbSNP rs1421901591, ClinGen allele CA350976151.